The following is an entry in ClinVar:

NM_173086.5(KRT6C):c.1003G>A (p.Ala335Thr)

Gene: KRT6C (keratin 6C; minus strand). Cytogenetic location: 12q13.13.
Variant type: single nucleotide variant.
Coding change: c.1003G>A on transcript NM_173086.5 (MANE Select); coding-DNA position 1003, G replaced by A.
Protein change: p.Ala335Thr; replaces alanine 335 with threonine.
Molecular consequence: missense variant.
Genome position (GRCh38, 1-based): chr12:52,471,206, C>T on the plus strand (G>A on the coding strand, the complement: KRT6C is on the minus strand). VCF-style: chr12-52471206-C-T. GRCh37 (hg19) VCF-style: chr12-52864990-C-T.
Other names: short protein forms A335T.
Identifiers: ClinVar variation 4798397 (VCV004798397.1).

ClinVar aggregate classification (germline): Uncertain significance (1 of 4 stars; one submission).

Submission:

Labcorp Genetics (formerly Invitae), Labcorp
Classification: Uncertain significance. Last evaluated: 2025-02-23. Review status: criteria provided, single submitter. Criteria: Invitae Variant Classification Sherloc (09022015). Collection method: clinical testing. Allele origin: germline.
Comment: This sequence change replaces alanine, which is neutral and non-polar, with threonine, which is neutral and polar, at codon 335 of the KRT6C protein (p.Ala335Thr). This variant is present in population databases (rs372589428, gnomAD 0.07%), and has an allele count higher than expected for a pathogenic variant. This variant has not been reported in the literature in individuals affected with KRT6C-related conditions. Invitae Evidence Modeling of protein sequence and biophysical properties (such as structural, functional, and spatial information, amino acid conservation, physicochemical variation, residue mobility, and thermodynamic stability) indicates that this missense variant is not expected to disrupt KRT6C protein function with a negative predictive value of 80%. In summary, the available evidence is currently insufficient to determine the role of this variant in disease. Therefore, it has been classified as a Variant of Uncertain Significance.